The following is an entry in ClinVar:

NM_182961.4(SYNE1):c.1271C>T (p.Ala424Val)

Gene: SYNE1 (spectrin repeat containing nuclear envelope protein 1; minus strand). Cytogenetic location: 6q25.2.
Variant type: single nucleotide variant.
Coding change: c.1271C>T on transcript NM_182961.4 (MANE Select); coding-DNA position 1271, C replaced by T.
Protein change: p.Ala424Val; replaces alanine 424 with valine.
Molecular consequence: missense variant.
Genome position (GRCh38, 1-based): chr6:152,483,164, G>A on the plus strand (C>T on the coding strand, the complement: SYNE1 is on the minus strand). VCF-style: chr6-152483164-G-A. GRCh37 (hg19) VCF-style: chr6-152804299-G-A.
Other names: c.1292C>T, p.Ala431Val (NM_033071.5); short protein forms A424V, A431V.
Identifiers: ClinVar variation 2049565 (VCV002049565.4), dbSNP rs2505672635, ClinGen allele CA366140080.

ClinVar aggregate classification (germline): Uncertain significance (1 of 4 stars; one submission).

Conditions:
Emery-Dreifuss muscular dystrophy 4, autosomal dominant (EDMD4). Also called: EMERY-DREIFUSS MUSCULAR DYSTROPHY 4 WITH VARIABLE FEATURES. Identifiers: Orphanet 261, MedGen C2751807, MONDO:0013071, OMIM 612998.
Autosomal recessive ataxia, Beauce type. Also called: SYNE1 Deficiency; Spinocerebellar ataxia, autosomal recessive 8; ATAXIA, RECESSIVE, OF BEAUCE; SYNE1-Related Autosomal Recessive Cerebellar Ataxia. Identifiers: Orphanet 88644, MedGen C1853116, MONDO:0012549, OMIM 610743.

Submission:

Labcorp Genetics (formerly Invitae), Labcorp
Classification: Uncertain significance for Emery-Dreifuss muscular dystrophy 4, autosomal dominant; Autosomal recessive ataxia, Beauce type. Last evaluated: 2022-03-08. Review status: criteria provided, single submitter. Criteria: Invitae Variant Classification Sherloc (09022015). Collection method: clinical testing. Allele origin: germline.
Comment: In summary, the available evidence is currently insufficient to determine the role of this variant in disease. Therefore, it has been classified as a Variant of Uncertain Significance. Algorithms developed to predict the effect of missense changes on protein structure and function are either unavailable or do not agree on the potential impact of this missense change (SIFT: "Deleterious"; PolyPhen-2: "Benign"; Align-GVGD: "Class C0"). This variant has not been reported in the literature in individuals affected with SYNE1-related conditions. This variant is not present in population databases (gnomAD no frequency). This sequence change replaces alanine, which is neutral and non-polar, with valine, which is neutral and non-polar, at codon 431 of the SYNE1 protein (p.Ala431Val).